The following is an entry in ClinVar:

ClinVar aggregate classification (germline): Uncertain significance. Review status: criteria provided, multiple submitters, no conflicts (2 of 4 stars). 3 submissions from 3 submitters: Uncertain significance (3). Last evaluated 2022-09-23.

Conditions:
Aplastic anemia. Identifiers: Orphanet 182040, Orphanet 88, MedGen C0002874, MONDO:0015909, OMIM 609135, HP:0001915.
Lymphoma, non-Hodgkin, familial. Identifiers: MedGen C4721532, MONDO:0011508, OMIM 605027.
Familial hemophagocytic lymphohistiocytosis 2 (FHL2). Also called: PRF1-Related Familial Hemophagocytic Lymphohistiocytosis (PRF1-fHLH). Identifiers: Orphanet 540, MedGen C1863727, MONDO:0011337, OMIM 603553.

gnomAD v4.1: 13 of 1,613,980 alleles (0.00081%); highest among the groups gnomAD compares: South Asian, 0.0011%; no homozygotes.

Submissions (3):

Blueprint Genetics
Classification: Uncertain significance. Last evaluated: 2022-09-23. Review status: criteria provided, single submitter. Criteria: ACMG Guidelines, 2015. Collection method: clinical testing. Allele origin: germline.

Labcorp Genetics (formerly Invitae), Labcorp
Classification: Uncertain significance for Familial hemophagocytic lymphohistiocytosis 2. Last evaluated: 2021-12-27. Review status: criteria provided, single submitter. Criteria: Invitae Variant Classification Sherloc (09022015). Collection method: clinical testing. Allele origin: germline.
Comment: This sequence change replaces arginine, which is basic and polar, with tryptophan, which is neutral and slightly polar, at codon 119 of the PRF1 protein (p.Arg119Trp). This variant is present in population databases (rs749110507, gnomAD 0.0009%). This missense change has been observed in individual(s) with primary central nervous system vasculitis (PMID: 17328077). Algorithms developed to predict the effect of missense changes on protein structure and function are either unavailable or do not agree on the potential impact of this missense change (SIFT: "Deleterious"; PolyPhen-2: "Benign"; Align-GVGD: "Class C0"). In summary, the available evidence is currently insufficient to determine the role of this variant in disease. Therefore, it has been classified as a Variant of Uncertain Significance.

Department of Pathology and Laboratory Medicine, Sinai Health System
Classification: Uncertain significance for Familial hemophagocytic lymphohistiocytosis 2; Lymphoma, non-Hodgkin, familial; Aplastic anemia. Last evaluated: 2021-07-30. Review status: criteria provided, single submitter. Criteria: ACMG Guidelines, 2015. Collection method: research. Allele origin: germline.

Literature cited by the submitters: PubMed 17328077 (cited by Labcorp Genetics (formerly Invitae), Labcorp).

NM_001083116.3(PRF1):c.355C>T (p.Arg119Trp)

Gene: PRF1 (perforin 1; minus strand). Cytogenetic location: 10q22.1.
Variant type: single nucleotide variant.
Coding change: c.355C>T on transcript NM_001083116.3 (MANE Select); coding-DNA position 355, C replaced by T.
Protein change: p.Arg119Trp; replaces arginine 119 with tryptophan.
Molecular consequence: missense variant.
Genome position (GRCh38, 1-based): chr10:70,600,548, G>A on the plus strand (C>T on the coding strand, the complement: PRF1 is on the minus strand). VCF-style: chr10-70600548-G-A. GRCh37 (hg19) VCF-style: chr10-72360304-G-A.
Other names: c.355C>T, p.Arg119Trp (NM_005041.6); short protein forms R119W.
Identifiers: ClinVar variation 1493551 (VCV001493551.7), dbSNP rs749110507, ClinGen allele CA5539067.
Genomic context (GRCh38, chr10:70,600,548, plus strand): 5'-GCTTAGGAGTCACGTCCAGCCCGACCTTCCAGTCGTTGCGGATGCTACGAGCCGCATCCC[G>A]GGCCACAGCTTCAGTGGAGCTGACTTTGGCCCTGGTTACATGGCGCTGGCAGCCAGAGCC-3'
Protein context (NP_001076585.1, residues 109-129): AKVSSTEAVA[Arg119Trp]DAARSIRNDW